The following is an entry in ClinVar:

NM_001376.5(DYNC1H1):c.7172A>G (p.Glu2391Gly)

Gene: DYNC1H1 (dynein cytoplasmic 1 heavy chain 1; plus strand). Cytogenetic location: 14q32.31.
Variant type: single nucleotide variant.
Coding change: c.7172A>G on transcript NM_001376.5 (MANE Select); coding-DNA position 7172, A replaced by G.
Protein change: p.Glu2391Gly; replaces glutamic acid 2391 with glycine.
Molecular consequence: missense variant.
Genome position (GRCh38, 1-based): chr14:102,015,262, A>G. VCF-style: chr14-102015262-A-G. GRCh37 (hg19) VCF-style: chr14-102481599-A-G.
Other names: short protein forms E2391G.
Identifiers: ClinVar variation 4822566 (VCV004822566.4).

ClinVar aggregate classification (germline): Uncertain significance (1 of 4 stars; one submission).

Submission:

CeGaT Center for Human Genetics Tuebingen
Classification: Uncertain significance. Last evaluated: 2026-03-01. Review status: criteria provided, single submitter. Criteria: CeGaT Center For Human Genetics Tuebingen Variant Classification Criteria Version 2. Collection method: clinical testing. Allele origin: germline. Affected: yes. Observed: 1 variant allele.
Comment: DYNC1H1: PM2